The following is an entry in ClinVar:

NM_000212.3(ITGB3):c.1990G>A (p.Glu664Lys)

Gene: ITGB3 (integrin subunit beta 3; plus strand). Cytogenetic location: 17q21.32.
Variant type: single nucleotide variant.
Coding change: c.1990G>A on transcript NM_000212.3 (MANE Select); coding-DNA position 1990, G replaced by A.
Protein change: p.Glu664Lys; replaces glutamic acid 664 with lysine.
Molecular consequence: missense variant.
Genome position (GRCh38, 1-based): chr17:47,300,554, G>A. VCF-style: chr17-47300554-G-A. GRCh37 (hg19) VCF-style: chr17-45377920-G-A.
Other names: short protein forms E664K.
Identifiers: ClinVar variation 2218181 (VCV002218181.5), dbSNP rs373150039, ClinGen allele CA8623414.

ClinVar aggregate classification (germline): Uncertain significance. Review status: criteria provided, multiple submitters, no conflicts (2 of 4 stars). 3 submissions from 3 submitters: Uncertain significance (3). Last evaluated 2024-11-09.

Conditions:
ITGB3-related disorder. Also called: ITGB3-related condition.
Inborn genetic diseases. Identifiers: MedGen C0950123, MeSH D030342.

Allele frequency attached by ClinVar (database versions not stated): gnomAD exomes below 0.00001; ExAC 0.00001; gnomAD 0.00001; TOPMed 0.00001; ESP Exome Variant Server 0.00008.

Submissions (3):

PreventionGenetics, part of Exact Sciences
Classification: Uncertain significance for ITGB3-related condition. Last evaluated: 2024-11-09. Review status: criteria provided, single submitter. Criteria: ACMG Guidelines, 2015. Collection method: clinical testing. Allele origin: germline.
Comment: The ITGB3 c.1990G>A variant is predicted to result in the amino acid substitution p.Glu664Lys. To our knowledge, this variant has not been reported in the literature or in a large population database (gnomAD), indicating this variant is rare. At this time, the clinical significance of this variant is uncertain due to the absence of conclusive functional and genetic evidence.

Labcorp Genetics (formerly Invitae), Labcorp
Classification: Uncertain significance. Last evaluated: 2024-06-27. Review status: criteria provided, single submitter. Criteria: Invitae Variant Classification Sherloc (09022015). Collection method: clinical testing. Allele origin: germline.
Comment: This sequence change replaces glutamic acid, which is acidic and polar, with lysine, which is basic and polar, at codon 664 of the ITGB3 protein (p.Glu664Lys). This variant is present in population databases (rs373150039, gnomAD 0.006%). This variant has not been reported in the literature in individuals affected with ITGB3-related conditions. ClinVar contains an entry for this variant (Variation ID: 2218181). Advanced modeling of protein sequence and biophysical properties (such as structural, functional, and spatial information, amino acid conservation, physicochemical variation, residue mobility, and thermodynamic stability) performed at Invitae indicates that this missense variant is not expected to disrupt ITGB3 protein function with a negative predictive value of 80%. In summary, the available evidence is currently insufficient to determine the role of this variant in disease. Therefore, it has been classified as a Variant of Uncertain Significance.

Ambry Genetics
Classification: Uncertain significance for Inborn genetic diseases. Last evaluated: 2024-03-07. Review status: criteria provided, single submitter. Criteria: Ambry Variant Classification Scheme 2023. Collection method: clinical testing. Allele origin: germline.